The following is an entry in ClinVar:

ClinVar aggregate classification (germline): Pathogenic/Likely pathogenic. Review status: criteria provided, multiple submitters, no conflicts (2 of 4 stars). 2 submissions from 2 submitters: Pathogenic (1); Likely pathogenic (1). Last evaluated 2026-07-13.

Conditions:
Familial prostate cancer. Also called: Hereditary Prostate Cancer. Identifiers: MedGen C2931456, MONDO:0700275, OMIM 176807.
ZFHX3-associated neurodevelopmental disorder.

gnomAD v4.1: 1 of 1,608,448 alleles (0.000062%); highest among the groups gnomAD compares: Non-Finnish European, 0.000085%; no homozygotes.

Submissions (2):

North East and Yorkshire NHS Genomic Laboratory Hub
Classification: Pathogenic for Familial prostate cancer. Last evaluated: 2026-07-13. Review status: criteria provided, single submitter. Criteria: ACMG Guidelines, 2015. Collection method: clinical testing. Allele origin: germline. Inheritance: Autosomal dominant inheritance. Affected: yes.
Comment: 'PS4_SUP;PM2_SUP;PP4_N/A;PVS1'

Institute of Human Genetics, University of Leipzig Medical Center
Classification: Likely pathogenic for ZFHX3-associated neurodevelopmental disorder. Last evaluated: 2024-11-28. Review status: criteria provided, single submitter. Criteria: ACMG Guidelines, 2015. Collection method: clinical testing. Allele origin: unknown. Inheritance: Autosomal dominant inheritance. Affected: yes.
Comment: Criteria applied: PVS1,PS2_MOD, PM2_SUP

NM_006885.4(ZFHX3):c.2143C>T (p.Arg715Ter)

Gene: ZFHX3 (zinc finger homeobox 3; minus strand). Cytogenetic location: 16q22.3.
Variant type: single nucleotide variant.
Coding change: c.2143C>T on transcript NM_006885.4 (MANE Select); coding-DNA position 2143, C replaced by T.
Protein change: p.Arg715Ter; replaces arginine 715 with a stop codon.
Molecular consequence: nonsense. On other transcripts: intron variant (1).
Genome position (GRCh38, 1-based): chr16:72,958,003, G>A on the plus strand (C>T on the coding strand, the complement: ZFHX3 is on the minus strand). VCF-style: chr16-72958003-G-A. GRCh37 (hg19) VCF-style: chr16-72991902-G-A.
Other names: c.2143C>T, p.Arg715Ter (NM_001386735.1); c.-23-7038C>T (NM_001164766.2); short protein forms R715*.
Identifiers: ClinVar variation 3376146 (VCV003376146.4).
Genomic context (GRCh38, chr16:72,958,003, plus strand): 5'-TGGAGTAGTTACACACCTCGCAGCGGAAAGGCTTGTAACCACACGTGTAGCTCTCGCCTC[G>A]TGCCAGCCGGGGGTGGGGCTGCCCGCTTTTGCAGTAGACACAGGAGCCCCCCGGCTCCGG-3'